The following is an entry in ClinVar:

NM_004211.5(SLC6A5):c.254C>A (p.Pro85Gln)

Gene: SLC6A5 (solute carrier family 6 member 5; plus strand). Cytogenetic location: 11p15.1.
Variant type: single nucleotide variant.
Coding change: c.254C>A on transcript NM_004211.5 (MANE Select); coding-DNA position 254, C replaced by A.
Protein change: p.Pro85Gln; replaces proline 85 with glutamine.
Molecular consequence: missense variant. On other transcripts: 5 prime UTR variant (1).
Genome position (GRCh38, 1-based): chr11:20,601,379, C>A. VCF-style: chr11-20601379-C-A. GRCh37 (hg19) VCF-style: chr11-20622925-C-A.
Other names: c.-310C>A (NM_001318369.2); short protein forms P85Q.
Identifiers: ClinVar variation 1999374 (VCV001999374.4), dbSNP rs751752571, ClinGen allele CA218722520.
Genomic context (GRCh38, chr11:20,601,379, plus strand): 5'-CGGACGCGCGAGCCTGCGAGGCTGAGCGGCCAGGAGTGGGGTCTTGCAAACTCAGTAGCC[C>A]GCGGGCGCAGGCGGCCTCTGCAGCTCTGCGGGACTTGAGAGAGGCGCAAGGCGCGCAGGC-3'
Protein context (NP_004202.4, residues 75-95): PGVGSCKLSS[Pro85Gln]RAQAASAALR

ClinVar aggregate classification (germline): Uncertain significance (1 of 4 stars; one submission).

Conditions:
Hyperekplexia 3 (HKPX3). Also called: HYPEREKPLEXIA 3, AUTOSOMAL RECESSIVE; HYPEREKPLEXIA 3, AUTOSOMAL DOMINANT. Identifiers: Orphanet 3197, MedGen C3553288, MONDO:0013827, OMIM 614618.

Submission:

Labcorp Genetics (formerly Invitae), Labcorp
Classification: Uncertain significance for Hyperekplexia 3. Last evaluated: 2022-10-24. Review status: criteria provided, single submitter. Criteria: Invitae Variant Classification Sherloc (09022015). Collection method: clinical testing. Allele origin: germline.
Comment: This sequence change replaces proline, which is neutral and non-polar, with glutamine, which is neutral and polar, at codon 85 of the SLC6A5 protein (p.Pro85Gln). Advanced modeling of protein sequence and biophysical properties (such as structural, functional, and spatial information, amino acid conservation, physicochemical variation, residue mobility, and thermodynamic stability) performed at Invitae indicates that this missense variant is not expected to disrupt SLC6A5 protein function. This variant has not been reported in the literature in individuals affected with SLC6A5-related conditions. This variant is not present in population databases (gnomAD no frequency). In summary, the available evidence is currently insufficient to determine the role of this variant in disease. Therefore, it has been classified as a Variant of Uncertain Significance.